The following is an entry in ClinVar:

NM_001042492.3(NF1):c.5783A>G (p.Glu1928Gly)

Gene: NF1 (neurofibromin 1; plus strand). Cytogenetic location: 17q11.2.
Variant type: single nucleotide variant.
Coding change: c.5783A>G on transcript NM_001042492.3 (MANE Select); coding-DNA position 5783, A replaced by G.
Protein change: p.Glu1928Gly; replaces glutamic acid 1928 with glycine.
Molecular consequence: missense variant.
Genome position (GRCh38, 1-based): chr17:31,330,469, A>G. VCF-style: chr17-31330469-A-G. GRCh37 (hg19) VCF-style: chr17-29657487-A-G.
Other names: c.5720A>G, p.Glu1907Gly (NM_000267.4); short protein forms E1907G, E1928G.
Identifiers: ClinVar variation 841365 (VCV000841365.4), dbSNP rs2069453957, ClinGen allele CA399010464.

ClinVar aggregate classification (germline): Uncertain significance (1 of 4 stars; one submission).

Conditions:
Neurofibromatosis, type 1 (NF1). Also called: Peripheral type neurofibromatosis; VON RECKLINGHAUSEN DISEASE; Neurofibromatosis, type I; NEUROFIBROMATOSIS, TYPE I, SOMATIC. Identifiers: Orphanet 636, MedGen C0027831, MONDO:0018975, OMIM 162200. Disease mechanism: loss of function.

Submission:

Labcorp Genetics (formerly Invitae), Labcorp
Classification: Uncertain significance for Neurofibromatosis, type 1. Last evaluated: 2021-09-02. Review status: criteria provided, single submitter. Criteria: Invitae Variant Classification Sherloc (09022015). Collection method: clinical testing. Allele origin: germline.
Comment: This sequence change replaces glutamic acid with glycine at codon 1907 of the NF1 protein (p.Glu1907Gly). The glutamic acid residue is moderately conserved and there is a moderate physicochemical difference between glutamic acid and glycine. This variant is not present in population databases (ExAC no frequency). This variant has not been reported in the literature in individuals affected with NF1-related conditions. Algorithms developed to predict the effect of missense changes on protein structure and function are either unavailable or do not agree on the potential impact of this missense change (SIFT: "Deleterious"; PolyPhen-2: "Probably Damaging"; Align-GVGD: "Class C0"). In summary, the available evidence is currently insufficient to determine the role of this variant in disease. Therefore, it has been classified as a Variant of Uncertain Significance.